The following is an entry in ClinVar:

ClinVar aggregate classification (germline): Pathogenic. Review status: criteria provided, single submitter (1 of 4 stars). 2 submissions from 2 submitters: Pathogenic (1). 1 of the submissions does not count toward it. Last evaluated 2022-08-01.

Conditions:
Phenylketonuria (PKU). Also called: OLIGOPHRENIA PHENYLPYRUVICA; Phenylketonurias; FOLLING DISEASE; Phenylketonuria (PKU). Identifiers: Orphanet 716, MedGen C0031485, MONDO:0009861, OMIM 261600. Disease mechanism: loss of function.

Submissions (2):

Labcorp Genetics (formerly Invitae), Labcorp
Classification: Pathogenic for Phenylketonuria. Last evaluated: 2022-08-01. Review status: criteria provided, single submitter. Criteria: Invitae Variant Classification Sherloc (09022015). Collection method: clinical testing. Allele origin: germline.
Comment: This variant has not been reported in the literature in individuals affected with PAH-related conditions. For these reasons, this variant has been classified as Pathogenic. ClinVar contains an entry for this variant (Variation ID: 370308). This variant is not present in population databases (gnomAD no frequency). This sequence change creates a premature translational stop signal (p.Ser110Tyrfs*85) in the PAH gene. It is expected to result in an absent or disrupted protein product. Loss-of-function variants in PAH are known to be pathogenic (PMID: 1301187, 9634518).

Counsyl
Classification: Likely pathogenic for Phenylketonuria. Last evaluated: 2016-01-07. Review status: no assertion criteria provided. Collection method: clinical testing. Allele origin: unknown. Not counted in ClinVar's aggregate classification.

Literature cited by the submitters: PubMed 1301187 (cited by Labcorp Genetics (formerly Invitae), Labcorp); PubMed 9634518 (cited by Labcorp Genetics (formerly Invitae), Labcorp).

NM_000277.3(PAH):c.329del (p.Ser110fs)

Gene: PAH (phenylalanine hydroxylase; minus strand). Cytogenetic location: 12q23.2.
Variant type: Deletion.
Coding change: c.329del on transcript NM_000277.3 (MANE Select); coding-DNA position 329, one base deleted (C; older notation c.329delC).
Protein change: p.Ser110fs; shifts the reading frame from serine 110.
Molecular consequence: frameshift variant.
Genome position (GRCh38, 1-based): chr12:102,894,758, G deleted on the plus strand (C on the coding strand, the reverse complement: PAH is on the minus strand). VCF-style (leftmost placement, unchanged base first): chr12-102894757-TG-T. GRCh37 (hg19) VCF-style: chr12-103288535-TG-T.
Other names: c.329del, p.Ser110fs (NM_001354304.2); short protein forms S110fs.
Identifiers: ClinVar variation 370308 (VCV000370308.7), dbSNP rs1057516389, ClinGen allele CA16041561.